The following is an entry in ClinVar:

NM_139215.3(TAF15):c.1269_1295del (p.Gly424_Ser432del)

Gene: TAF15 (TATA-box binding protein associated factor 15; plus strand). Cytogenetic location: 17q12.
Variant type: Deletion.
Coding change: c.1269_1295del on transcript NM_139215.3 (MANE Select); coding-DNA positions 1269 to 1295, 27 bases deleted (TGGGGGTGGCTATGGTGGAGACAGAAG).
Protein change: p.Gly424_Ser432del.
Genome position (GRCh38, 1-based): chr17:35,844,568-35,844,594, TGGGGGTGGCTATGGTGGAGACAGAAG deleted; deleting any 27 consecutive bases within chr17:35,844,548-35,844,594 gives the same sequence; the c. name uses the placement nearest the transcript's 3' end. VCF-style (leftmost placement, unchanged base first): chr17-35844547-CGGCTATGGTGGAGACAGAAGTGGGGGT-C. GRCh37 (hg19) VCF-style: chr17-34171551-CGGCTATGGTGGAGACAGAAGTGGGGGT-C.
Other names: c.1260_1286del, p.Gly421_Ser429del (NM_003487.4).
Identifiers: ClinVar variation 3040041 (VCV003040041.2), dbSNP rs1440860624, ClinGen allele CA728397014.

ClinVar aggregate classification (germline): Likely benign (0 of 4 stars; one submission).

Conditions:
TAF15-related disorder. Also called: TAF15-related condition.

Submission:

PreventionGenetics, part of Exact Sciences
Classification: Likely benign for TAF15-related condition. Last evaluated: 2023-05-23. Review status: no assertion criteria provided. Collection method: clinical testing. Allele origin: germline.
Comment: This variant is classified as likely benign based on ACMG/AMP sequence variant interpretation guidelines (Richards et al. 2015 PMID: 25741868, with internal and published modifications).